The following is an entry in ClinVar:

NM_199420.4(POLQ):c.4792C>T (p.Leu1598Phe)

Gene: POLQ (DNA polymerase theta; minus strand). Cytogenetic location: 3q13.33.
Variant type: single nucleotide variant.
Coding change: c.4792C>T on transcript NM_199420.4 (MANE Select); coding-DNA position 4792, C replaced by T.
Protein change: p.Leu1598Phe; replaces leucine 1598 with phenylalanine.
Molecular consequence: missense variant.
Genome position (GRCh38, 1-based): chr3:121,488,139, G>A on the plus strand (C>T on the coding strand, the complement: POLQ is on the minus strand). VCF-style: chr3-121488139-G-A. GRCh37 (hg19) VCF-style: chr3-121206986-G-A.
Other names: short protein forms L1598F.
Identifiers: ClinVar variation 3422565 (VCV003422565.1).
Genomic context (GRCh38, chr3:121,488,139, plus strand): 5'-ATTTTTCAGCCCTTTCATCTTGATCTCCTCCATCTTGATCACCTTGGTGGTGCTCATCAA[G>A]TACTGGATCACTTAGTTCTAATGCTCTAGGAGATACTACAGTATGATTCTTCTCTTGGAC-3'
Protein context (NP_955452.3, residues 1588-1608): PRALELSDPV[Leu1598Phe]DEHHQGDQDG

ClinVar aggregate classification (germline): Uncertain significance (1 of 4 stars; one submission).

gnomAD v4.1: 1 of 1,613,216 alleles (0.000062%); highest among the groups gnomAD compares: Non-Finnish European, 0.000085%; no homozygotes.

Submission:

Ambry Genetics
Classification: Uncertain significance. Last evaluated: 2024-09-21. Review status: criteria provided, single submitter. Criteria: Ambry Variant Classification Scheme 2023. Collection method: clinical testing. Allele origin: germline.
Comment: The p.L1598F variant (also known as c.4792C>T), located in coding exon 16 of the POLQ gene, results from a C to T substitution at nucleotide position 4792. The leucine at codon 1598 is replaced by phenylalanine, an amino acid with highly similar properties. This amino acid position is conserved. In addition, this alteration is predicted to be tolerated by in silico analysis. Based on the available evidence, the clinical significance of this variant remains unclear.